The following is an entry in ClinVar:

NM_001172509.2(SATB2):c.1A>G (p.Met1Val)

Gene: SATB2 (SATB homeobox 2; minus strand). Cytogenetic location: 2q33.1.
Variant type: single nucleotide variant.
Coding change: c.1A>G on transcript NM_001172509.2 (MANE Select); coding-DNA position 1, A replaced by G.
Protein change: p.Met1Val; changes the start codon (methionine 1).
Molecular consequence: missense variant, initiator codon variant. On other transcripts: non-coding transcript variant (1).
Genome position (GRCh38, 1-based): chr2:199,456,037, T>C on the plus strand (A>G on the coding strand, the complement: SATB2 is on the minus strand). VCF-style: chr2-199456037-T-C. GRCh37 (hg19) VCF-style: chr2-200320760-T-C.
Other names: c.1A>G, p.Met1Val (NM_001172517.1, NM_015265.4); short protein forms M1V.
Identifiers: ClinVar variation 489104 (VCV000489104.4), dbSNP rs1553507391, ClinGen allele CA350388705.
Genomic context (GRCh38, chr2:199,456,037, plus strand): 5'-GGCTGCCGCTCCGCCGGTCGGGGCTGTCCCGCAGACACGGGCTCTCGCTCCGCCGCTCCA[T>C]GCTGCTCCGACTCGGAGACAAAGTTCCCACCGGCAGGTCGCAATAAAACGCACAGGGACC-3'
Protein context (NP_001165980.1, residues 1-11): [Met1Val]ERRSESPCLR

ClinVar aggregate classification (germline): Likely pathogenic (1 of 4 stars; one submission).

Submission:

GeneDx
Classification: Likely pathogenic. Last evaluated: 2026-09-24. Review status: criteria provided, single submitter. Criteria: GeneDx Variant Classification Process June 2021. Collection method: clinical testing. Allele origin: germline.
Comment: Initiation codon variant predicted to critically alter the protein; Not observed at significant frequency in large population cohorts (gnomAD); Has not been previously published as pathogenic or benign to our knowledge